The following is an entry in ClinVar:

ClinVar aggregate classification (germline): Uncertain significance. Review status: criteria provided, multiple submitters, no conflicts (2 of 4 stars). 2 submissions from 2 submitters: Uncertain significance (2). Last evaluated 2026-02-28.

Conditions:
GABRG2-related disorder. Also called: GABRG2-related condition.
EPILEPSY, CHILDHOOD ABSENCE, SUSCEPTIBILITY TO, 2 (ECA2). Identifiers: Orphanet 64280, MedGen C1843244, OMIM 607681.
Febrile seizures, familial, 8 (FEB8). Also called: CONVULSIONS, FAMILIAL FEBRILE, 8. Identifiers: Orphanet 36387, MedGen C1969810, MONDO:0011891, OMIM 607681.

Allele frequency attached by ClinVar (database versions not stated): ExAC 0.00001; gnomAD exomes 0.00001.
gnomAD v4.1: 40 of 1,613,182 alleles (0.0025%); highest among the groups gnomAD compares: Non-Finnish European, 0.0032%; no homozygotes.

Submissions (2):

PreventionGenetics, part of Exact Sciences
Classification: Uncertain significance for GABRG2-related condition. Last evaluated: 2026-02-28. Review status: criteria provided, single submitter. Criteria: ACMG Guidelines, 2015. Collection method: clinical testing. Allele origin: germline.
Comment: The GABRG2 c.173C>A variant is predicted to result in the amino acid substitution p.Thr58Asn. To our knowledge, this variant has not been reported in the literature. This variant is reported in 0.0026% of alleles in individuals of European (Non-Finnish) descent in gnomAD. At this time, the clinical significance of this variant is uncertain due to the absence of conclusive functional and genetic evidence.

Labcorp Genetics (formerly Invitae), Labcorp
Classification: Uncertain significance for Febrile seizures, familial, 8; EPILEPSY, CHILDHOOD ABSENCE, SUSCEPTIBILITY TO, 2. Last evaluated: 2025-06-10. Review status: criteria provided, single submitter. Criteria: Invitae Variant Classification Sherloc (09022015). Collection method: clinical testing. Allele origin: germline.
Comment: This sequence change replaces threonine, which is neutral and polar, with asparagine, which is neutral and polar, at codon 58 of the GABRG2 protein (p.Thr58Asn). This variant is present in population databases (rs763218917, gnomAD 0.003%). This missense change has been observed in individual(s) with GABRG2-related conditions (internal data). This missense change has been observed in at least one individual who was not affected with GABRG2-related conditions (internal data). ClinVar contains an entry for this variant (Variation ID: 205538). Invitae Evidence Modeling of protein sequence and biophysical properties (such as structural, functional, and spatial information, amino acid conservation, physicochemical variation, residue mobility, and thermodynamic stability) has been performed for this missense variant. However, the output from this modeling did not meet the statistical confidence thresholds required to predict the impact of this variant on GABRG2 protein function. In summary, the available evidence is currently insufficient to determine the role of this variant in disease. Therefore, it has been classified as a Variant of Uncertain Significance.

NM_198904.4(GABRG2):c.173C>A (p.Thr58Asn)

Gene: GABRG2 (gamma-aminobutyric acid type A receptor subunit gamma2; plus strand). Cytogenetic location: 5q34.
Variant type: single nucleotide variant.
Coding change: c.173C>A on transcript NM_198904.4 (MANE Select); coding-DNA position 173, C replaced by A.
Protein change: p.Thr58Asn; replaces threonine 58 with asparagine.
Molecular consequence: missense variant. On other transcripts: 5 prime UTR variant (3).
Genome position (GRCh38, 1-based): chr5:162,093,893, C>A. VCF-style: chr5-162093893-C-A. GRCh37 (hg19) VCF-style: chr5-161520899-C-A.
Other names: c.173C>A, p.Thr58Asn (NM_000816.3, NM_001375340.1, NM_001375341.1 and 4 more transcripts); c.164C>A, p.Thr55Asn (NM_001375339.1); c.107C>A, p.Thr36Asn (NM_001375345.1, NM_001375346.1); c.86C>A, p.Thr29Asn (NM_001375347.1); c.-186C>A (NM_001375348.1, NM_001375350.1); c.-113C>A (NM_001375349.1); short protein forms T58N, T29N, T36N, T55N.
Identifiers: ClinVar variation 205538 (VCV000205538.10), dbSNP rs763218917, ClinGen allele CA314703.